The following is an entry in ClinVar:

ClinVar aggregate classification (germline): Uncertain significance (1 of 4 stars; one submission).

Conditions:
Autosomal dominant nocturnal frontal lobe epilepsy 5. Also called: KCNT1-Related Epilepsy; CILIARY DYSKINESIA, PRIMARY, 28, WITHOUT SITUS INVERSUS; CILIARY DYSKINESIA, PRIMARY, 28, WITH SITUS INVERSUS; Epilepsy, nocturnal frontal lobe, 5. Identifiers: Orphanet 98784, MedGen C3554306, MONDO:0014002, OMIM 615005.
Developmental and epileptic encephalopathy, 14 (DEE14). Also called: Early infantile epileptic encephalopathy 14. Identifiers: Orphanet 293181, MedGen C3554195, MONDO:0013989, OMIM 614959.

Allele frequency attached by ClinVar (database versions not stated): TOPMed below 0.00001; ExAC 0.00001; gnomAD 0.00001; ESP Exome Variant Server 0.00008.
gnomAD v4.1: 2 of 1,605,944 alleles (0.00012%); highest among the groups gnomAD compares: Non-Finnish European, 0.00017%; no homozygotes.

Submission:

Labcorp Genetics (formerly Invitae), Labcorp
Classification: Uncertain significance for Autosomal dominant nocturnal frontal lobe epilepsy 5; Developmental and epileptic encephalopathy, 14. Last evaluated: 2022-10-07. Review status: criteria provided, single submitter. Criteria: Invitae Variant Classification Sherloc (09022015). Collection method: clinical testing. Allele origin: germline.
Comment: This variant has not been reported in the literature in individuals affected with KCNT1-related conditions. ClinVar contains an entry for this variant (Variation ID: 948617). Advanced modeling of protein sequence and biophysical properties (such as structural, functional, and spatial information, amino acid conservation, physicochemical variation, residue mobility, and thermodynamic stability) performed at Invitae indicates that this missense variant is expected to disrupt KCNT1 protein function. This variant is present in population databases (rs139397246, gnomAD 0.0008%). Algorithms developed to predict the effect of sequence changes on RNA splicing suggest that this variant may create or strengthen a splice site. In summary, the available evidence is currently insufficient to determine the role of this variant in disease. Therefore, it has been classified as a Variant of Uncertain Significance. This sequence change replaces glycine, which is neutral and non-polar, with serine, which is neutral and polar, at codon 967 of the KCNT1 protein (p.Gly967Ser).

NM_020822.3(KCNT1):c.2899G>A (p.Gly967Ser)

Gene: KCNT1 (potassium sodium-activated channel subfamily T member 1; plus strand). Cytogenetic location: 9q34.3.
Variant type: single nucleotide variant.
Coding change: c.2899G>A on transcript NM_020822.3 (MANE Select); coding-DNA position 2899, G replaced by A.
Protein change: p.Gly967Ser; replaces glycine 967 with serine.
Molecular consequence: missense variant.
Genome position (GRCh38, 1-based): chr9:135,784,081, G>A. VCF-style: chr9-135784081-G-A. GRCh37 (hg19) VCF-style: chr9-138675927-G-A.
Other names: c.2764G>A, p.Gly922Ser (NM_001272003.2); short protein forms G967S, G922S.
Identifiers: ClinVar variation 948617 (VCV000948617.10), dbSNP rs139397246, ClinGen allele CA5327500.